The following is an entry in ClinVar:

NM_003466.4(PAX8):c.146G>A (p.Arg49His)

Genes: PAX8 (paired box 8; minus strand), PAX8-AS1 (PAX8 antisense RNA 1; plus strand). Cytogenetic location: 2q14.1.
Variant type: single nucleotide variant.
Coding change: c.146G>A on transcript NM_003466.4 (MANE Select); coding-DNA position 146, G replaced by A.
Protein change: p.Arg49His; replaces arginine 49 with histidine.
Molecular consequence: missense variant.
Genome position (GRCh38, 1-based): chr2:113,246,799, C>T on the plus strand (G>A on the coding strand, the complement: PAX8 is on the minus strand). VCF-style: chr2-113246799-C-T. GRCh37 (hg19) VCF-style: chr2-114004376-C-T.
Other names: c.146G>A, p.Arg49His (NM_013952.4, NM_013953.4, NM_013992.4); short protein forms R49H.
Identifiers: ClinVar variation 3384352 (VCV003384352.2).

ClinVar aggregate classification (germline): Uncertain significance (1 of 4 stars; one submission).

gnomAD v4.1: 2 of 1,614,066 alleles (0.00012%); highest among the groups gnomAD compares: Non-Finnish European, 0.00017%; no homozygotes.

Submission:

GeneDx
Classification: Uncertain significance. Last evaluated: 2025-04-04. Review status: criteria provided, single submitter. Criteria: GeneDx Variant Classification Process June 2021. Collection method: clinical testing. Allele origin: germline.
Comment: Has been reported in the apparently homozygous state in a patient with thyroid dysgenesis; evaluation of the parents for genetic or clinical status was not included in this report (PMID: 29546359); Not observed at significant frequency in large population cohorts (gnomAD); In silico analysis supports that this missense variant has a deleterious effect on protein structure/function; This variant is associated with the following publications: (PMID: 29546359)